The following is an entry in ClinVar:

ClinVar aggregate classification (germline): Uncertain significance (1 of 4 stars; one submission).

Submission:

Labcorp Genetics (formerly Invitae), Labcorp
Classification: Uncertain significance. Last evaluated: 2021-04-14. Review status: criteria provided, single submitter. Criteria: Invitae Variant Classification Sherloc (09022015). Collection method: clinical testing. Allele origin: germline.
Comment: This variant is not present in population databases (ExAC no frequency). This sequence change replaces isoleucine with valine at codon 1188 of the PCDH15 protein (p.Ile1188Val). The isoleucine residue is highly conserved and there is a small physicochemical difference between isoleucine and valine. Algorithms developed to predict the effect of missense changes on protein structure and function are either unavailable or do not agree on the potential impact of this missense change (SIFT: "Tolerated"; PolyPhen-2: "Possibly Damaging"; Align-GVGD: "Class C0"). Algorithms developed to predict the effect of sequence changes on RNA splicing suggest that this variant may create or strengthen a splice site, but this prediction has not been confirmed by published transcriptional studies. In summary, the available evidence is currently insufficient to determine the role of this variant in disease. Therefore, it has been classified as a Variant of Uncertain Significance. This variant has not been reported in the literature in individuals with PCDH15-related conditions.

NM_001384140.1(PCDH15):c.3562A>G (p.Ile1188Val)

Gene: PCDH15 (protocadherin related 15; minus strand). Cytogenetic location: 10q21.1.
Variant type: single nucleotide variant.
Coding change: c.3562A>G on transcript NM_001384140.1 (MANE Select); coding-DNA position 3562, A replaced by G.
Protein change: p.Ile1188Val; replaces isoleucine 1188 with valine.
Molecular consequence: missense variant.
Genome position (GRCh38, 1-based): chr10:53,866,797, T>C on the plus strand (A>G on the coding strand, the complement: PCDH15 is on the minus strand). VCF-style: chr10-53866797-T-C. GRCh37 (hg19) VCF-style: chr10-55626557-T-C.
Other names: c.3577A>G, p.Ile1193Val (NM_001142763.2, NM_001142771.2); c.3562A>G, p.Ile1188Val (NM_001142764.2, NM_001142766.2, NM_001142770.3 and 4 more transcripts); c.3349A>G, p.Ile1117Val (NM_001142765.2); c.3451A>G, p.Ile1151Val (NM_001142767.2); c.3496A>G, p.Ile1166Val (NM_001142768.2, NM_001142773.2, NM_001354404.2); c.3598A>G, p.Ile1200Val (NM_001142769.4); c.3583A>G, p.Ile1195Val (NM_001354411.2); short protein forms I1166V, I1193V, I1200V, I1195V, I1117V, I1151V, I1188V.
Identifiers: ClinVar variation 1387569 (VCV001387569.8), dbSNP rs2133159238, ClinGen allele CA376518089.
Genomic context (GRCh38, chr10:53,866,797, plus strand): 5'-TAGCAGTTTTGATAAGCCCTGTATATGTTTCCACTACAAATCCTTCTTTTCCCTCTTTAA[T>C]TGGTGGTATTATGAGTCTGTAGGCCATGACACTATAATTGCCAGTATCTTTATCAGTAGC-3'
Protein context (NP_001371069.1, residues 1178-1198): VMAYRLIIPP[Ile1188Val]KEGKEGFVVE